The following is an entry in ClinVar:

ClinVar aggregate classification (germline): Uncertain significance. Review status: criteria provided, multiple submitters, no conflicts (2 of 4 stars). 5 submissions from 4 submitters: Uncertain significance (5). Last evaluated 2025-02-24.

Conditions:
Inborn genetic diseases. Identifiers: MedGen C0950123, MeSH D030342.
Autosomal dominant nonsyndromic hearing loss 12. Also called: DEAFNESS, AUTOSOMAL DOMINANT 8. Identifiers: Orphanet 90635, MedGen C1832187, MONDO:0011102, OMIM 601543.
Autosomal recessive nonsyndromic hearing loss 21. Identifiers: Orphanet 90636, MedGen C1863655, MONDO:0011351, OMIM 603629.

Allele frequency attached by ClinVar (database versions not stated): gnomAD 0.00001 and 0.00002; TOPMed 0.00001; gnomAD exomes 0.00003; ExAC 0.00004.
gnomAD v4.1: 41 of 1,613,734 alleles (0.0025%); highest among the groups gnomAD compares: South Asian, 0.0033%; no homozygotes.

Submissions (5):

Labcorp Genetics (formerly Invitae), Labcorp
Classification: Uncertain significance. Last evaluated: 2025-02-24. Review status: criteria provided, single submitter. Criteria: Invitae Variant Classification Sherloc (09022015). Collection method: clinical testing. Allele origin: germline.
Comment: This sequence change replaces aspartic acid, which is acidic and polar, with asparagine, which is neutral and polar, at codon 500 of the TECTA protein (p.Asp500Asn). This variant is present in population databases (rs754964995, gnomAD 0.008%). This variant has not been reported in the literature in individuals affected with TECTA-related conditions. ClinVar contains an entry for this variant (Variation ID: 879177). Invitae Evidence Modeling of protein sequence and biophysical properties (such as structural, functional, and spatial information, amino acid conservation, physicochemical variation, residue mobility, and thermodynamic stability) indicates that this missense variant is not expected to disrupt TECTA protein function with a negative predictive value of 95%. In summary, the available evidence is currently insufficient to determine the role of this variant in disease. Therefore, it has been classified as a Variant of Uncertain Significance.

Ambry Genetics
Classification: Uncertain significance for Inborn genetic diseases. Last evaluated: 2024-03-30. Review status: criteria provided, single submitter. Criteria: Ambry Variant Classification Scheme 2023. Collection method: clinical testing. Allele origin: germline.

GeneDx
Classification: Uncertain significance. Last evaluated: 2019-08-28. Review status: criteria provided, single submitter. Criteria: GeneDx Variant Classification Process June 2021. Collection method: clinical testing. Allele origin: germline. Affected: yes.
Comment: In silico analysis, which includes protein predictors and evolutionary conservation, supports that this variant does not alter protein structure/function; Has not been previously published as pathogenic or benign to our knowledge

Illumina Laboratory Services, Illumina
Classification: Uncertain significance for Autosomal dominant nonsyndromic hearing loss 12. Last evaluated: 2018-01-12. Review status: criteria provided, single submitter. Criteria: ICSL Variant Classification Criteria 13 December 2019. Collection method: clinical testing. Allele origin: germline.

Illumina Laboratory Services, Illumina
Classification: Uncertain significance for Autosomal recessive nonsyndromic hearing loss 21. Last evaluated: 2018-01-12. Review status: criteria provided, single submitter. Criteria: ICSL Variant Classification Criteria 13 December 2019. Collection method: clinical testing. Allele origin: germline.

NM_005422.4(TECTA):c.1498G>A (p.Asp500Asn)

Genes: TBCEL-TECTA (TBCEL-TECTA readthrough; plus strand), TECTA (tectorin alpha; plus strand). Cytogenetic location: 11q23.3.
Variant type: single nucleotide variant.
Coding change: c.1498G>A on transcript NM_005422.4 (MANE Select); coding-DNA position 1498, G replaced by A.
Protein change: p.Asp500Asn; replaces aspartic acid 500 with asparagine.
Molecular consequence: missense variant.
Genome position (GRCh38, 1-based): chr11:121,125,596, G>A. VCF-style: chr11-121125596-G-A. GRCh37 (hg19) VCF-style: chr11-120996305-G-A.
Other names: short protein forms D500N.
Identifiers: ClinVar variation 879177 (VCV000879177.10), dbSNP rs754964995, ClinGen allele CA6326762.